The following is an entry in ClinVar:

ClinVar aggregate classification (germline): Uncertain significance (1 of 4 stars; one submission).

Conditions:
Autosomal dominant nonsyndromic hearing loss 1. Also called: KONIGSMARK SYNDROME; DEAFNESS, AUTOSOMAL DOMINANT 1, WITH OR WITHOUT THROMBOCYTOPENIA. Identifiers: Orphanet 90635, MedGen C1852282, MONDO:0007424, OMIM 124900.
Progressive microcephaly-seizures-cortical blindness-developmental delay syndrome. Also called: Seizures, cortical blindness, and microcephaly syndrome. Identifiers: Orphanet 477814, MedGen C5567650, MONDO:0014714, OMIM 616632.

Submission:

Labcorp Genetics (formerly Invitae), Labcorp
Classification: Uncertain significance for Progressive microcephaly-seizures-cortical blindness-developmental delay syndrome; Autosomal dominant nonsyndromic hearing loss 1. Last evaluated: 2021-03-28. Review status: criteria provided, single submitter. Criteria: Invitae Variant Classification Sherloc (09022015). Collection method: clinical testing. Allele origin: germline.
Comment: This sequence change replaces cysteine with tyrosine at codon 1227 of the DIAPH1 protein (p.Cys1227Tyr). The cysteine residue is moderately conserved and there is a large physicochemical difference between cysteine and tyrosine. This variant is not present in population databases (ExAC no frequency). This variant has not been reported in the literature in individuals with DIAPH1-related conditions. Algorithms developed to predict the effect of missense changes on protein structure and function are either unavailable or do not agree on the potential impact of this missense change (SIFT: "Deleterious"; PolyPhen-2: "Possibly Damaging"; Align-GVGD: "Class C0"). In summary, the available evidence is currently insufficient to determine the role of this variant in disease. Therefore, it has been classified as a Variant of Uncertain Significance.

NM_005219.5(DIAPH1):c.3680G>A (p.Cys1227Tyr)

Gene: DIAPH1 (diaphanous related formin 1; minus strand). Cytogenetic location: 5q31.3.
Variant type: single nucleotide variant.
Coding change: c.3680G>A on transcript NM_005219.5 (MANE Select); coding-DNA position 3680, G replaced by A.
Protein change: p.Cys1227Tyr; replaces cysteine 1227 with tyrosine.
Molecular consequence: missense variant.
Genome position (GRCh38, 1-based): chr5:141,516,990, C>T on the plus strand (G>A on the coding strand, the complement: DIAPH1 is on the minus strand). VCF-style: chr5-141516990-C-T. GRCh37 (hg19) VCF-style: chr5-140896557-C-T.
Other names: c.3653G>A, p.Cys1218Tyr (NM_001079812.3); c.3733G>A, p.Val1245Met (NM_001314007.2); short protein forms C1227Y, C1218Y, V1245M.
Identifiers: ClinVar variation 1520949 (VCV001520949.8), dbSNP rs2154594798, ClinGen allele CA361572758.